The following is an entry in ClinVar:

ClinVar aggregate classification (germline): Uncertain significance (1 of 4 stars; one submission).

Submission:

Ambry Genetics
Classification: Uncertain significance. Last evaluated: 2024-05-18. Review status: criteria provided, single submitter. Criteria: Ambry Variant Classification Scheme 2023. Collection method: clinical testing. Allele origin: germline.
Comment: The p.L3562F variant (also known as c.10686G>C), located in coding exon 75 of the PRKDC gene, results from a G to C substitution at nucleotide position 10686. The leucine at codon 3562 is replaced by phenylalanine, an amino acid with highly similar properties. This amino acid position is conserved. In addition, this alteration is predicted to be deleterious by in silico analysis. Based on the available evidence, the clinical significance of this variant remains unclear.

NM_006904.7(PRKDC):c.10686G>C (p.Leu3562Phe)

Gene: PRKDC (protein kinase, DNA-activated, catalytic subunit; minus strand). Cytogenetic location: 8q11.21.
Variant type: single nucleotide variant.
Coding change: c.10686G>C on transcript NM_006904.7 (MANE Select); coding-DNA position 10686, G replaced by C.
Protein change: p.Leu3562Phe; replaces leucine 3562 with phenylalanine.
Molecular consequence: missense variant.
Genome position (GRCh38, 1-based): chr8:47,789,223, C>G on the plus strand (G>C on the coding strand, the complement: PRKDC is on the minus strand). VCF-style: chr8-47789223-C-G. GRCh37 (hg19) VCF-style: chr8-48701784-C-G.
Other names: c.10686G>C, p.Leu3562Phe (NM_001081640.2); short protein forms L3562F.
Identifiers: ClinVar variation 3310152 (VCV003310152.1).